The following is an entry in ClinVar:

ClinVar aggregate classification (germline): Likely benign. Review status: criteria provided, multiple submitters, no conflicts (2 of 4 stars). 3 submissions from 3 submitters: Likely benign (3). Last evaluated 2025-11-01.

Conditions:
Epilepsy, familial focal, with variable foci 3 (FFEVF3). Identifiers: MedGen C4310708, MONDO:0014925, OMIM 617118.

Allele frequency attached by ClinVar (database versions not stated): gnomAD 0.00001 and 0.00002; gnomAD exomes 0.00001; TOPMed 0.00003; ExAC 0.00004; ESP Exome Variant Server 0.00008; 1000 Genomes Project 30x 0.00016; 1000 Genomes Project 0.00020.

Submissions (3):

CeGaT Center for Human Genetics Tuebingen
Classification: Likely benign. Last evaluated: 2025-11-01. Review status: criteria provided, single submitter. Criteria: CeGaT Center For Human Genetics Tuebingen Variant Classification Criteria Version 2. Collection method: clinical testing. Allele origin: germline. Affected: yes. Observed: 1 variant allele.
Comment: NPRL3: BP4, BP7

Labcorp Genetics (formerly Invitae), Labcorp
Classification: Likely benign for Epilepsy, familial focal, with variable foci 3. Last evaluated: 2025-03-10. Review status: criteria provided, single submitter. Criteria: Invitae Variant Classification Sherloc (09022015). Collection method: clinical testing. Allele origin: germline.

Breakthrough Genomics
Classification: Likely benign. Review status: criteria provided, single submitter. Criteria: ACMG Guidelines, 2015. Collection method: not provided. Allele origin: germline. Inheritance: Autosomal dominant inheritance. Affected: yes.

NM_001077350.3(NPRL3):c.981G>A (p.Pro327=)

Genes: HBA-LCR (alpha-globin locus control region; plus strand), NPRL3 (NPR3 like, GATOR1 complex subunit; minus strand). Cytogenetic location: 16p13.3.
Variant type: single nucleotide variant.
Coding change: c.981G>A on transcript NM_001077350.3 (MANE Select); coding-DNA position 981, G replaced by A.
Protein change: p.Pro327=; no amino-acid change (proline 327 retained).
Molecular consequence: synonymous variant.
Genome position (GRCh38, 1-based): chr16:93,269, C>T on the plus strand (G>A on the coding strand, the complement: NPRL3 is on the minus strand). VCF-style: chr16-93269-C-T. GRCh37 (hg19) VCF-style: chr16-143267-C-T.
Other names: c.444G>A, p.Pro148= (NM_001039476.3); c.747G>A, p.Pro249= (NM_001243247.2); c.906G>A, p.Pro302= (NM_001243248.2, NM_001243249.2).
Identifiers: ClinVar variation 1090081 (VCV001090081.16), dbSNP rs371414303, ClinGen allele CA7769492.